The following is an entry in ClinVar:

NM_139278.4(LGI3):c.494+1G>C

Gene: LGI3 (leucine rich repeat LGI family member 3; minus strand). Cytogenetic location: 8p21.3.
Variant type: single nucleotide variant.
Coding change: c.494+1G>C on transcript NM_139278.4 (MANE Select); the canonical splice donor site of the intron after coding-DNA position 494, G replaced by C.
Molecular consequence: splice donor variant.
Genome position (GRCh38, 1-based): chr8:22,153,967, C>G on the plus strand (G>C on the coding strand, the complement: LGI3 is on the minus strand). VCF-style: chr8-22153967-C-G. GRCh37 (hg19) VCF-style: chr8-22011480-C-G.
Other names: IVS5DS, G-C, +1 (rs1827450545).
Identifiers: ClinVar variation 1699926 (VCV001699926.3), dbSNP rs1827450545, ClinGen allele CA370532747.

ClinVar aggregate classification (germline): Pathogenic. Review status: criteria provided, multiple submitters, no conflicts (2 of 4 stars). 3 submissions from 3 submitters: Pathogenic (2). 1 of the submissions does not count toward it. Last evaluated 2022-06-28.

Conditions:
Intellectual developmental disorder with muscle tone abnormalities and distal skeletal defects (IDDMDS). Identifiers: MedGen C5774199, MONDO:0859277, OMIM 620007.
Peripheral nerve hyperexcitability syndrome.

Allele frequency attached by ClinVar (database versions not stated): gnomAD exomes below 0.00001; TOPMed below 0.00001.
gnomAD v4.1: 2 of 1,613,858 alleles (0.00012%); highest among the groups gnomAD compares: African/African-American, 0.0027%; no homozygotes.

Submissions (3):

Lupski Lab, Baylor-Hopkins CMG, Baylor College of Medicine
Classification: Pathogenic for Peripheral nerve hyperexcitability syndrome. Last evaluated: 2022-06-28. Review status: criteria provided, single submitter. Criteria: ACMG Guidelines, 2015. Collection method: research. Allele origin: germline. Affected: yes. Observed: 4 variant alleles, 2 homozygotes. Clinical features observed: Global developmental delay (HP:0001263), Hyporeflexia (HP:0001265), Flexion contracture (HP:0001371), Abnormality of peripheral nervous system electrophysiology (HP:0030177), EMG: myokymic discharges (HP:0100288).

Clinical Biomedical Laboratory, Shriners Hospital For Children - Canada
Classification: Pathogenic for Intellectual developmental disorder with muscle tone abnormalities and distal skeletal defects. Review status: criteria provided, single submitter. Criteria: ACMG Guidelines, 2015. Collection method: clinical testing. Allele origin: germline. Affected: yes.
Comment: This variant is predicted to affect a canonical splice site in LGI3. This variant is expected to disrupt RNA splicing and lead to loss of function. Loss-of-function variants in LGI3 are associated with ‘Intellectual developmental disorder with muscle tone abnormalities and distal skeletal defects’, which has overlap with the phenotype of the proband. This variant is absent from the Genome Aggregation Database (v2.1.1), indicating it is very rare. This variant has been reported in the literature (PMID 35948005). Based on the ACMG variant interpretation guidelines (criteria: PVS1, PM2, PM3), the available evidence supports classification of this variant as pathogenic.

OMIM
Classification: Pathogenic for INTELLECTUAL DEVELOPMENTAL DISORDER WITH MUSCLE TONE ABNORMALITIES AND DISTAL SKELETAL DEFECTS. Last evaluated: 2022-08-22. Review status: no assertion criteria provided. Collection method: literature only. Allele origin: germline. Not counted in ClinVar's aggregate classification.

Literature cited by the submitters: PubMed 35948005 (cited by OMIM).